The following is an entry in ClinVar:

NM_000815.5(GABRD):c.817C>T (p.Gln273Ter)

Gene: GABRD (gamma-aminobutyric acid type A receptor subunit delta; plus strand). Cytogenetic location: 1p36.33.
Variant type: single nucleotide variant.
Coding change: c.817C>T on transcript NM_000815.5 (MANE Select); coding-DNA position 817, C replaced by T.
Protein change: p.Gln273Ter; replaces glutamine 273 with a stop codon.
Molecular consequence: nonsense.
Genome position (GRCh38, 1-based): chr1:2,029,236, C>T. VCF-style: chr1-2029236-C-T. GRCh37 (hg19) VCF-style: chr1-1960675-C-T.
Other names: short protein forms Q273*.
Identifiers: ClinVar variation 1683926 (VCV001683926.2), dbSNP rs1405824159, ClinGen allele CA337959367.

ClinVar aggregate classification (germline): Uncertain significance (1 of 4 stars; one submission).

Allele frequency attached by ClinVar (database versions not stated): gnomAD exomes below 0.00001.
gnomAD v4.1: 5 of 1,569,048 alleles (0.00032%); highest among the groups gnomAD compares: South Asian, 0.0012%; no homozygotes.

Submission:

GeneDx
Classification: Uncertain significance. Last evaluated: 2021-11-09. Review status: criteria provided, single submitter. Criteria: GeneDx Variant Classification Process June 2021. Collection method: clinical testing. Allele origin: germline. Affected: yes.
Comment: Nonsense variant predicted to result in protein truncation or nonsense mediated decay in a gene for which loss-of-function is not a known mechanism of disease; Has not been previously published as pathogenic or benign to our knowledge